The following is an entry in ClinVar:

NM_000390.4(CHM):c.1512T>A (p.Tyr504Ter)

Gene: CHM (CHM Rab escort protein; minus strand). Cytogenetic location: Xq21.2.
Variant type: single nucleotide variant.
Coding change: c.1512T>A on transcript NM_000390.4 (MANE Select); coding-DNA position 1512, T replaced by A.
Protein change: p.Tyr504Ter; replaces tyrosine 504 with a stop codon.
Molecular consequence: nonsense.
Genome position (GRCh38, 1-based): chrX:85,879,062, A>T on the plus strand (T>A on the coding strand, the complement: CHM is on the minus strand). VCF-style: chrX-85879062-A-T. GRCh37 (hg19) VCF-style: chrX-85134067-A-T.
Other names: c.1068T>A, p.Tyr356Ter (NM_001320959.1, NM_001362517.1, NM_001362518.2 and 1 more transcripts); short protein forms Y356*, Y504*.
Identifiers: ClinVar variation 3390847 (VCV003390847.2).
Genomic context (GRCh38, chrX:85,879,062, plus strand): 5'-CACAACTGATTCTAAATCTTCTCTTGCTGTTTTAGAAGATGTGCAAGTCAAATGAACCAA[A>T]TCTGTTAAAAAAAAAATATTTGAGTTCCTTGTCATCACAAATCTATTTTACTTATACTTA-3'

ClinVar aggregate classification (germline): Pathogenic. Review status: criteria provided, multiple submitters, no conflicts (2 of 4 stars). 2 submissions from 2 submitters: Pathogenic (2). Last evaluated 2025-06-24.

Conditions:
Choroideremia. Also called: Chorioretinal scalloped atrophy. Identifiers: Orphanet 180, MedGen C0008525, MONDO:0010557, OMIM 303100, HP:0001139.

Submissions (2):

Labcorp Genetics (formerly Invitae), Labcorp
Classification: Pathogenic. Last evaluated: 2025-06-24. Review status: criteria provided, single submitter. Criteria: Invitae Variant Classification Sherloc (09022015). Collection method: clinical testing. Allele origin: germline.
Comment: This sequence change creates a premature translational stop signal (p.Tyr504*) in the CHM gene. It is expected to result in an absent or disrupted protein product. Loss-of-function variants in CHM are known to be pathogenic (PMID: 9067750, 23811034). This variant is not present in population databases (gnomAD no frequency). This premature translational stop signal has been observed in individual(s) with choroideremia (PMID: 12203991). ClinVar contains an entry for this variant (Variation ID: 3390847). For these reasons, this variant has been classified as Pathogenic.

Institute of Medical Genetics and Applied Genomics, University Hospital Tübingen
Classification: Pathogenic for Choroideremia. Last evaluated: 2024-12-18. Review status: criteria provided, single submitter. Criteria: ACMG Guidelines, 2015. Collection method: clinical testing. Allele origin: germline. Inheritance: X-linked dominant inheritance. Affected: yes.

Literature cited by the submitters: PubMed 9067750 (cited by Labcorp Genetics (formerly Invitae), Labcorp); PubMed 23811034 (cited by Labcorp Genetics (formerly Invitae), Labcorp); PubMed 12203991 (cited by Labcorp Genetics (formerly Invitae), Labcorp).